The following is an entry in ClinVar:

ClinVar aggregate classification (germline): Uncertain significance (1 of 4 stars; one submission).

Conditions:
Chédiak-Higashi syndrome (CHS). Also called: Chediak-Higashi Syndrome. Identifiers: Orphanet 167, MedGen C0007965, MONDO:0008963, OMIM 214500.

Submission:

Labcorp Genetics (formerly Invitae), Labcorp
Classification: Uncertain significance for Chédiak-Higashi syndrome. Last evaluated: 2025-01-27. Review status: criteria provided, single submitter. Criteria: Invitae Variant Classification Sherloc (09022015). Collection method: clinical testing. Allele origin: germline.
Comment: This variant, c.7353_7355del, results in the deletion of 1 amino acid(s) of the LYST protein (p.Leu2452del), but otherwise preserves the integrity of the reading frame. This variant is present in population databases (rs765160019, gnomAD 0.1%). This variant has not been reported in the literature in individuals affected with LYST-related conditions. ClinVar contains an entry for this variant (Variation ID: 660653). Experimental studies and prediction algorithms are not available or were not evaluated, and the functional significance of this variant is currently unknown. In summary, the available evidence is currently insufficient to determine the role of this variant in disease. Therefore, it has been classified as a Variant of Uncertain Significance.

NM_000081.4(LYST):c.7350TCT[1] (p.Leu2452del)

Gene: LYST (lysosomal trafficking regulator; minus strand). Cytogenetic location: 1q42.3.
Variant type: Microsatellite.
Coding change: c.7350TCT[1] on transcript NM_000081.4 (MANE Select); one copy of the 3-base unit TCT starting at c.7350; the reference has two copies in a row; one copy, 3 bases deleted.
Protein change: p.Leu2452del; deletes leucine 2452.
Molecular consequence: inframe deletion.
Genome position (GRCh38, 1-based): chr1:235,753,149-235,753,151, AGA deleted on the plus strand (TCT on the coding strand, the reverse complement: LYST is on the minus strand); deleting any 3 consecutive bases within chr1:235,753,149-235,753,156 gives the same sequence; the position shown is the placement nearest the transcript's 3' end. VCF-style (leftmost placement, unchanged base first): chr1-235753148-GAGA-G. GRCh37 (hg19) VCF-style: chr1-235916448-GAGA-G.
Other names: c.7353_7355delTCT (NM_000081.3); c.7350TCT[1], p.Leu2452del (NM_001301365.1); short protein forms L2452del.
Identifiers: ClinVar variation 660653 (VCV000660653.6), dbSNP rs765160019, ClinGen allele CA1466157.